The following is an entry in ClinVar:

ClinVar aggregate classification (germline): Uncertain significance (1 of 4 stars; one submission).

Conditions:
Growth hormone insensitivity with immune dysregulation 1, autosomal recessive. Also called: GROWTH HORMONE INSENSITIVITY DUE TO POSTRECEPTOR DEFECT; Laron syndrome with immunodeficiency; LARON SYNDROME DUE TO POSTRECEPTOR DEFECT; GROWTH HORMONE INSENSITIVITY SYNDROME WITH IMMUNE DYSREGULATION 1, AUTOSOMAL RECESSIVE. Identifiers: Orphanet 220465, MedGen C5435698, MONDO:0100211, OMIM 245590.

Submission:

Labcorp Genetics (formerly Invitae), Labcorp
Classification: Uncertain significance for Growth hormone insensitivity with immune dysregulation 1, autosomal recessive. Last evaluated: 2022-09-22. Review status: criteria provided, single submitter. Criteria: Invitae Variant Classification Sherloc (09022015). Collection method: clinical testing. Allele origin: germline.
Comment: In summary, the available evidence is currently insufficient to determine the role of this variant in disease. Therefore, it has been classified as a Variant of Uncertain Significance. Algorithms developed to predict the effect of missense changes on protein structure and function are either unavailable or do not agree on the potential impact of this missense change (SIFT: "Tolerated"; PolyPhen-2: "Probably Damaging"; Align-GVGD: "Class C15"). This variant has not been reported in the literature in individuals affected with STAT5B-related conditions. This variant is not present in population databases (gnomAD no frequency). This sequence change replaces proline, which is neutral and non-polar, with glutamine, which is neutral and polar, at codon 732 of the STAT5B protein (p.Pro732Gln).

NM_012448.4(STAT5B):c.2195C>A (p.Pro732Gln)

Gene: STAT5B (signal transducer and activator of transcription 5B; minus strand). Cytogenetic location: 17q21.2.
Variant type: single nucleotide variant.
Coding change: c.2195C>A on transcript NM_012448.4 (MANE Select); coding-DNA position 2195, C replaced by A.
Protein change: p.Pro732Gln; replaces proline 732 with glutamine.
Molecular consequence: missense variant.
Genome position (GRCh38, 1-based): chr17:42,202,382, G>T on the plus strand (C>A on the coding strand, the complement: STAT5B is on the minus strand). VCF-style: chr17-42202382-G-T. GRCh37 (hg19) VCF-style: chr17-40354400-G-T.
Other names: short protein forms P732Q.
Identifiers: ClinVar variation 1720085 (VCV001720085.6), dbSNP rs2508697654, ClinGen allele CA399573335.
Genomic context (GRCh38, chr17:42,202,382, plus strand): 5'-CACAAGAATGCCACCTACTTCTGTGGGTACATGTTATAGTGAGCCTGGGGACACACAGCT[G>T]GGGAGGGGGCCTGGTCCATGTACGTGGCGCTGCCGCCCCCGGCATCTGCAGATGCGTTCA-3'
Protein context (NP_036580.2, residues 722-742): SATYMDQAPS[Pro732Gln]AVCPQAHYNM